The following is an entry in ClinVar:

NM_001199753.2(CPT1C):c.1233dup (p.Ala412fs)

Gene: CPT1C (carnitine palmitoyltransferase 1C; plus strand). Cytogenetic location: 19q13.33.
Variant type: Duplication.
Coding change: c.1233dup on transcript NM_001199753.2 (MANE Select); coding-DNA position 1233, one base duplicated (C; older notation c.1233dupC).
Protein change: p.Ala412fs; shifts the reading frame from alanine 412.
Molecular consequence: frameshift variant. On other transcripts: non-coding transcript variant (1).
Genome position (GRCh38, 1-based): chr19:49,706,303, C duplicated; the last of 2 consecutive C bases (chr19:49,706,302-49,706,303); duplicating either gives the same sequence. VCF-style (leftmost placement, unchanged base first): chr19-49706301-G-GC. GRCh37 (hg19) VCF-style: chr19-50209558-G-GC.
Other names: c.1200dup, p.Ala401fs (NM_001136052.3, NM_001378485.1, NM_001378487.1); c.1233dup, p.Ala412fs (NM_001199752.3, NM_001378483.1, NM_001378484.1 and 3 more transcripts); c.1299dup, p.Ala434fs (NM_001378482.1); short protein forms A401fs, A412fs, A434fs.
Identifiers: ClinVar variation 3668080 (VCV003668080.2).

ClinVar aggregate classification (germline): Pathogenic (1 of 4 stars; one submission).

Conditions:
Hereditary spastic paraplegia 73. Also called: Spastic paraplegia 73, autosomal dominant. Identifiers: Orphanet 444099, MedGen C5568981, MONDO:0014568, OMIM 616282.

Submission:

Labcorp Genetics (formerly Invitae), Labcorp
Classification: Pathogenic for Hereditary spastic paraplegia 73. Last evaluated: 2026-01-12. Review status: criteria provided, single submitter. Criteria: Invitae Variant Classification Sherloc (09022015). Collection method: clinical testing. Allele origin: germline.
Comment: This sequence change creates a premature translational stop signal (p.Ala401Argfs*9) in the CPT1C gene. It is expected to result in an absent or disrupted protein product. Loss-of-function variants in CPT1C are known to be pathogenic (PMID: 30564185, 30911584). This variant is present in population databases (no rsID available, gnomAD 0.006%). This variant has not been reported in the literature in individuals affected with CPT1C-related conditions. ClinVar contains an entry for this variant (Variation ID: 3668080). For these reasons, this variant has been classified as Pathogenic.

Literature cited by the submitters: PubMed 30564185; PubMed 30911584.